The following is an entry in ClinVar:

NM_198129.4(LAMA3):c.9596del (p.Gly3199fs)

Gene: LAMA3 (laminin subunit alpha 3; plus strand). Cytogenetic location: 18q11.2.
Variant type: Deletion.
Coding change: c.9596del on transcript NM_198129.4 (MANE Select); coding-DNA position 9596, one base deleted (G; older notation c.9596delG).
Protein change: p.Gly3199fs; shifts the reading frame from glycine 3199.
Molecular consequence: frameshift variant.
Genome position (GRCh38, 1-based): chr18:23,950,113, G deleted; the last of 2 consecutive G bases (chr18:23,950,112-23,950,113); deleting either gives the same sequence. VCF-style (leftmost placement, unchanged base first): chr18-23950111-CG-C. GRCh37 (hg19) VCF-style: chr18-21530075-CG-C.
Other names: c.4769del, p.Gly1590fs (NM_000227.6); c.9428del, p.Gly3143fs (NM_001127717.4); c.4601del, p.Gly1534fs (NM_001127718.4); short protein forms G1590fs, G3199fs, G1534fs, G3143fs.
Identifiers: ClinVar variation 5004683 (VCV005004683.1).

ClinVar aggregate classification (germline): Pathogenic (1 of 4 stars; one submission).

Conditions:
Junctional epidermolysis bullosa. Identifiers: Orphanet 305, MedGen C0079301, MONDO:0017612.

Submission:

Myriad Genetics, Inc.
Classification: Pathogenic for Junctional epidermolysis bullosa. Last evaluated: 2026-05-18. Review status: criteria provided, single submitter. Criteria: Myriad Autosomal Dominant, Autosomal Recessive and X-Linked Classification Criteria (2023). Collection method: clinical testing. Allele origin: unknown.
Comment: NM_000227.3(LAMA3):c.4769delG(G1590Efs*50) is a frameshift variant classified as pathogenic in the context of junctional epidermolysis bullosa, LAMA3-related. G1590Efs*50 has not been observed in cases with relevant disease. Relevant functional assessments of this variant are not available in the literature. G1590Efs*50 has been observed in referenced population frequency databases. In summary, NM_000227.3(LAMA3):c.4769delG(G1590Efs*50) is a frameshift variant in a gene where loss of function is a known mechanism of disease and is predicted to disrupt protein function. Please note: this variant was assessed in the context of healthy population screening.